The following is an entry in ClinVar:

ClinVar aggregate classification (germline): Benign. Review status: criteria provided, multiple submitters, no conflicts (2 of 4 stars). 2 submissions from 2 submitters: Benign (2). Last evaluated 2018-01-13.

Conditions:
Retinitis pigmentosa (RP). Identifiers: Orphanet 791, MedGen C0035334, MeSH D012174, MONDO:0019200, OMIM 268000. Inheritance: Autosomal dominant, autosomal recessive and X linked inheritance.

Allele frequency attached by ClinVar (database versions not stated): gnomAD 0.53604 and 0.53712; TOPMed 0.54478; gnomAD exomes 0.56250; 1000 Genomes Project 0.58806; 1000 Genomes Project 30x 0.58916.

Submissions (2):

Illumina Laboratory Services, Illumina
Classification: Benign for Retinitis pigmentosa. Last evaluated: 2018-01-13. Review status: criteria provided, single submitter. Criteria: ICSL Variant Classification Criteria 13 December 2019. Collection method: clinical testing. Allele origin: germline.
Comment: This variant was observed in the ICSL laboratory as part of a predisposition screen in an ostensibly healthy population. It had not been previously curated by ICSL or reported in the Human Gene Mutation Database (HGMD: prior to June 1st, 2018), and was therefore a candidate for classification through an automated scoring system. Utilizing variant allele frequency, disease prevalence and penetrance estimates, and inheritance mode, an automated score was calculated to assess if this variant is too frequent to cause the disease. Based on the score and internal cut-off values, a variant classified as benign is not then subjected to further curation. The score for this variant resulted in a classification of benign for this disease.

Breakthrough Genomics
Classification: Benign. Review status: criteria provided, single submitter. Criteria: ACMG Guidelines, 2015. Collection method: not provided. Allele origin: germline. Inheritance: Unknown mechanism. Affected: yes.

NM_001029883.3(PCARE):c.*2022G>A

Gene: PCARE (photoreceptor cilium actin regulator; minus strand). Cytogenetic location: 2p23.2.
Variant type: single nucleotide variant.
Coding change: c.*2022G>A on transcript NM_001029883.3 (MANE Select); 2022 bases downstream of the stop codon, G replaced by A.
Molecular consequence: 3 prime UTR variant.
Genome position (GRCh38, 1-based): chr2:29,062,847, C>T on the plus strand (G>A on the coding strand, the complement: PCARE is on the minus strand). VCF-style: chr2-29062847-C-T. GRCh37 (hg19) VCF-style: chr2-29285713-C-T.
Identifiers: ClinVar variation 335592 (VCV000335592.6), dbSNP rs4464231, ClinGen allele CA10614935.